The following is an entry in ClinVar:

ClinVar aggregate classification (germline): Uncertain significance (1 of 4 stars; one submission).

Allele frequency attached by ClinVar (database versions not stated): gnomAD exomes below 0.00001.
gnomAD v4.1: 3 of 1,612,742 alleles (0.00019%); highest among the groups gnomAD compares: Admixed American, 0.0017%; no homozygotes.

Submission:

Labcorp Genetics (formerly Invitae), Labcorp
Classification: Uncertain significance. Last evaluated: 2024-04-15. Review status: criteria provided, single submitter. Criteria: Invitae Variant Classification Sherloc (09022015). Collection method: clinical testing. Allele origin: germline.
Comment: This sequence change replaces isoleucine, which is neutral and non-polar, with valine, which is neutral and non-polar, at codon 771 of the CLCN2 protein (p.Ile771Val). This variant is present in population databases (no rsID available, gnomAD 0.003%). This variant has not been reported in the literature in individuals affected with CLCN2-related conditions. ClinVar contains an entry for this variant (Variation ID: 1952067). An algorithm developed to predict the effect of missense changes on protein structure and function (PolyPhen-2) suggests that this variant is likely to be tolerated. In summary, the available evidence is currently insufficient to determine the role of this variant in disease. Therefore, it has been classified as a Variant of Uncertain Significance.

NM_004366.6(CLCN2):c.2311A>G (p.Ile771Val)

Gene: CLCN2 (chloride voltage-gated channel 2; minus strand). Cytogenetic location: 3q27.1.
Variant type: single nucleotide variant.
Coding change: c.2311A>G on transcript NM_004366.6 (MANE Select); coding-DNA position 2311, A replaced by G.
Protein change: p.Ile771Val; replaces isoleucine 771 with valine.
Molecular consequence: missense variant.
Genome position (GRCh38, 1-based): chr3:184,352,117, T>C on the plus strand (A>G on the coding strand, the complement: CLCN2 is on the minus strand). VCF-style: chr3-184352117-T-C. GRCh37 (hg19) VCF-style: chr3-184069905-T-C.
Other names: c.2260A>G, p.Ile754Val (NM_001171087.3); c.2179A>G, p.Ile727Val (NM_001171088.3); c.2311A>G, p.Ile771Val (NM_001171089.3); short protein forms I727V, I754V, I771V.
Identifiers: ClinVar variation 1952067 (VCV001952067.5), dbSNP rs1235804429, ClinGen allele CA355447193.
Genomic context (GRCh38, chr3:184,352,117, plus strand): 5'-CAATTTTGCAGTCACTGAAGTTGACAGGTTCATCTAGTTGCTGCTCCTCCCACTCCAGAA[T>C]CTGAGGGGAAGAGACTATGAGGTTTAGGGAGAAGGTGCCTGTAGCTGACCTCACCTCCCT-3'
Protein context (NP_004357.3, residues 761-781): DLEGEMSPEE[Ile771Val]LEWEEQQLDE